The following is an entry in ClinVar:

ClinVar aggregate classification (germline): Pathogenic (1 of 4 stars; one submission).

Conditions:
Hereditary cancer-predisposing syndrome. Also called: Neoplastic Syndromes, Hereditary; Tumor predisposition; Hereditary neoplastic syndrome; Hereditary Cancer Syndrome. Identifiers: Orphanet 140162, MedGen C0027672, MeSH D009386, MONDO:0015356.

Submission:

Ambry Genetics
Classification: Pathogenic for Hereditary cancer-predisposing syndrome. Last evaluated: 2024-03-13. Review status: criteria provided, single submitter. Criteria: Ambry Variant Classification Scheme 2023. Collection method: clinical testing. Allele origin: germline.
Comment: The c.2680_2683delGATAinsCC pathogenic mutation, located in coding exon 16 of the PTCH1 gene, results from the deletion of 4 nucleotides and insertion of two nucleotides causing a translational frameshift with a predicted alternate stop codon (p.D894Pfs*10). This variant has been observed in at least one individual with a personal and/or family history that is consistent with nevoid basal cell carcinoma syndrome (Ambry internal data). This alteration is expected to result in loss of function by premature protein truncation or nonsense-mediated mRNA decay. As such, this alteration is interpreted as a disease-causing mutation.

NM_000264.5(PTCH1):c.2680_2683delinsCC (p.Asp894fs)

Gene: PTCH1 (patched 1; minus strand). Cytogenetic location: 9q22.32.
Variant type: Indel.
Coding change: c.2680_2683delinsCC on transcript NM_000264.5 (MANE Select); coding-DNA positions 2680 to 2683, GATA replaced by CC.
Protein change: p.Asp894fs; shifts the reading frame from aspartic acid 894.
Molecular consequence: frameshift variant. On other transcripts: non-coding transcript variant (1).
Genome position (GRCh38, 1-based): chr9:95,461,876-95,461,879, TATC replaced by GG on the plus strand (GATA replaced by CC on the coding strand, the reverse complement: PTCH1 is on the minus strand). VCF-style: chr9-95461876-TATC-GG. GRCh37 (hg19) VCF-style: chr9-98224158-TATC-GG.
Other names: c.2482_2485delinsCC, p.Asp828fs (NM_001083602.3); c.2677_2680delinsCC, p.Asp893fs (NM_001083603.3); c.2227_2230delinsCC, p.Asp743fs (NM_001083604.3, NM_001083605.3, NM_001083606.3 and 1 more transcripts); c.2524_2527delinsCC, p.Asp842fs (NM_001354918.2); short protein forms D743fs, D828fs, D842fs, D893fs, D894fs.
Identifiers: ClinVar variation 3230988 (VCV003230988.1), dbSNP rs2538093912, ClinGen allele CA2825001643.